The following is an entry in ClinVar:

NM_001358530.2(MOCS1):c.419C>T (p.Ala140Val)

Gene: MOCS1 (molybdenum cofactor synthesis 1; minus strand). Cytogenetic location: 6p21.2.
Variant type: single nucleotide variant.
Coding change: c.419C>T on transcript NM_001358530.2 (MANE Select); coding-DNA position 419, C replaced by T.
Protein change: p.Ala140Val; replaces alanine 140 with valine.
Molecular consequence: missense variant. On other transcripts: non-coding transcript variant (1).
Genome position (GRCh38, 1-based): chr6:39,916,232, G>A on the plus strand (C>T on the coding strand, the complement: MOCS1 is on the minus strand). VCF-style: chr6-39916232-G-A. GRCh37 (hg19) VCF-style: chr6-39883976-G-A.
Other names: c.158C>T, p.Ala53Val (NM_001358531.2, NM_001358533.2, NM_001358534.2); c.419C>T, p.Ala140Val (NM_005943.6, NM_001075098.4, NM_001358529.2); c.419C>T (NM_005943.5); short protein forms A140V, A53V.
Identifiers: ClinVar variation 1404598 (VCV001404598.5), dbSNP rs548898048, ClinGen allele CA3796282.

ClinVar aggregate classification (germline): Uncertain significance. Review status: criteria provided, multiple submitters, no conflicts (2 of 4 stars). 3 submissions from 3 submitters: Uncertain significance (3). Last evaluated 2025-06-12.

Conditions:
Sulfite oxidase deficiency due to molybdenum cofactor deficiency type A. Also called: Molybdenum cofactor deficiency, complementation group A; Molybdenum Cofactor Deficiency A. Identifiers: Orphanet 308386, Orphanet 833, MedGen C1854988, MONDO:0009643, OMIM 252150.

Allele frequency attached by ClinVar (database versions not stated): 1000 Genomes Project 0.00040; gnomAD 0.00016 and 0.00015; 1000 Genomes Project 30x 0.00031.

Submissions (3):

GeneDx
Classification: Uncertain significance. Last evaluated: 2025-06-12. Review status: criteria provided, single submitter. Criteria: GeneDx Variant Classification Process June 2021. Collection method: clinical testing. Allele origin: germline. Affected: yes.
Comment: In silico analysis supports that this missense variant has a deleterious effect on protein structure/function; Has not been previously published as pathogenic or benign to our knowledge

Fulgent Genetics
Classification: Uncertain significance for Sulfite oxidase deficiency due to molybdenum cofactor deficiency type A. Last evaluated: 2024-01-03. Review status: criteria provided, single submitter. Criteria: ACMG Guidelines, 2015. Collection method: clinical testing. Allele origin: germline.

Labcorp Genetics (formerly Invitae), Labcorp
Classification: Uncertain significance for Sulfite oxidase deficiency due to molybdenum cofactor deficiency type A. Last evaluated: 2022-10-24. Review status: criteria provided, single submitter. Criteria: Invitae Variant Classification Sherloc (09022015). Collection method: clinical testing. Allele origin: germline.
Comment: This sequence change replaces alanine, which is neutral and non-polar, with valine, which is neutral and non-polar, at codon 140 of the MOCS1 protein (p.Ala140Val). This variant is present in population databases (rs548898048, gnomAD 0.09%). This variant has not been reported in the literature in individuals affected with MOCS1-related conditions. ClinVar contains an entry for this variant (Variation ID: 1404598). Algorithms developed to predict the effect of missense changes on protein structure and function (SIFT, PolyPhen-2, Align-GVGD) all suggest that this variant is likely to be tolerated. In summary, the available evidence is currently insufficient to determine the role of this variant in disease. Therefore, it has been classified as a Variant of Uncertain Significance.